The following is an entry in ClinVar:

ClinVar aggregate classification (germline): Uncertain significance (0 of 4 stars; one submission).

Conditions:
BBS4-related disorder. Also called: BBS4-related condition.

Submission:

PreventionGenetics, part of Exact Sciences
Classification: Uncertain significance for BBS4-related condition. Last evaluated: 2023-12-21. Review status: no assertion criteria provided. Collection method: clinical testing. Allele origin: germline.
Comment: The BBS4 c.1082A>G variant is predicted to result in the amino acid substitution p.Tyr361Cys. To our knowledge, this variant has not been reported in the literature or in a large population database, indicating this variant is rare. At this time, the clinical significance of this variant is uncertain due to the absence of conclusive functional and genetic evidence.

NM_033028.5(BBS4):c.1082A>G (p.Tyr361Cys)

Gene: BBS4 (Bardet-Biedl syndrome 4; plus strand). Cytogenetic location: 15q24.1.
Variant type: single nucleotide variant.
Coding change: c.1082A>G on transcript NM_033028.5 (MANE Select); coding-DNA position 1082, A replaced by G.
Protein change: p.Tyr361Cys; replaces tyrosine 361 with cysteine.
Molecular consequence: missense variant. On other transcripts: non-coding transcript variant (2).
Genome position (GRCh38, 1-based): chr15:72,735,158, A>G. VCF-style: chr15-72735158-A-G. GRCh37 (hg19) VCF-style: chr15-73027499-A-G.
Other names: c.566A>G, p.Tyr189Cys (NM_001252678.2); c.1013A>G, p.Tyr338Cys (NM_001320665.2); short protein forms Y189C, Y338C, Y361C.
Identifiers: ClinVar variation 3348228 (VCV003348228.1).